The following is an entry in ClinVar:

ClinVar aggregate classification (germline): Uncertain significance (1 of 4 stars; one submission).

Allele frequency attached by ClinVar (database versions not stated): gnomAD exomes below 0.00001.

Submission:

GeneDx
Classification: Uncertain significance. Last evaluated: 2026-05-31. Review status: criteria provided, single submitter. Criteria: GeneDx Variant Classification Process June 2021. Collection method: clinical testing. Allele origin: germline.
Comment: Not observed at significant frequency in large population cohorts (gnomAD); In silico analysis suggests that this missense variant does not alter protein structure/function; Has not been previously published as pathogenic or benign to our knowledge

NM_145239.3(PRRT2):c.325G>A (p.Val109Met)

Genes: MVP-DT (MVP divergent transcript; minus strand), PRRT2 (proline rich transmembrane protein 2; plus strand). Cytogenetic location: 16p11.2.
Variant type: single nucleotide variant.
Coding change: c.325G>A on transcript NM_145239.3 (MANE Select); coding-DNA position 325, G replaced by A.
Protein change: p.Val109Met; replaces valine 109 with methionine.
Molecular consequence: missense variant.
Genome position (GRCh38, 1-based): chr16:29,813,379, G>A. VCF-style: chr16-29813379-G-A. GRCh37 (hg19) VCF-style: chr16-29824700-G-A.
Other names: c.325G>A, p.Val109Met (NM_001256442.2, NM_001256443.2); short protein forms V109M.
Identifiers: ClinVar variation 1706299 (VCV001706299.3), dbSNP rs1900077018, ClinGen allele CA395478202.
Genomic context (GRCh38, chr16:29,813,379, plus strand): 5'-TTAAGCCCAGGAGGGGAATCAAAGGCCAACTGCAGCCCCGAAGACCCATGCCAAGAAACA[G>A]TGTCCAAACCAGAAGTGAGCAAAGAGGCCACTGCAGACCAGGGGTCCAGGCTGGAGTCTG-3'
Protein context (NP_660282.2, residues 99-119): CSPEDPCQET[Val109Met]SKPEVSKEAT